The following is an entry in ClinVar:

ClinVar aggregate classification (germline): Uncertain significance (1 of 4 stars; one submission).

Conditions:
Bartter disease type 1. Also called: Bartter syndrome, type 1, antenatal; HYPERPROSTAGLANDIN E SYNDROME 1; HYPOKALEMIC ALKALOSIS WITH HYPERCALCIURIA 1, ANTENATAL; Bartter Syndrome type 1. Identifiers: Orphanet 112, Orphanet 620217, MedGen C1866495, MONDO:0100344, OMIM 601678, MONDO:0011127.

Submission:

Victorian Clinical Genetics Services, Murdoch Childrens Research Institute
Classification: Uncertain significance for Bartter disease type 1. Last evaluated: 2020-10-19. Review status: criteria provided, single submitter. Criteria: ACMG Guidelines, 2015. Collection method: clinical testing. Allele origin: germline. Inheritance: Autosomal recessive inheritance. Affected: yes.
Comment: Based on the classification scheme VCGS_Germline_v1.3.4, this variant is classified as VUS-3A. Following criteria are met: 0102 - Loss of function is a known mechanism of disease in this gene and is associated with Bartter syndrome, type 1 (MIM#601678). (I) 0106 - This gene is associated with autosomal recessive disease. (I) 0200 - Variant is predicted to result in a missense amino acid change from threonine to isoleucine. (I) 0252 - This variant is homozygous. (I) 0301 - Variant is absent from gnomAD (both v2 and v3). (SP) 0501 - Missense variant consistently predicted to be damaging by multiple in silico tools or highly conserved with a major amino acid change. (SP) 0600 - Variant is located in the annotated amino acid permease domain (PDB). (I) 0705 - No comparable missense variants have previous evidence for pathogenicity. (I) 0807 - This variant has no previous evidence of pathogenicity. (I) 0905 - No published segregation evidence has been identified for this variant. (I) 1007 - No published functional evidence has been identified for this variant. (I) 1102 - Strong phenotype match for this individual. (I Legend: (SP) - Supporting pathogenic, (I) - Information, (SB) - Supporting benign

NM_000338.3(SLC12A1):c.1511C>T (p.Thr504Ile)

Gene: SLC12A1 (solute carrier family 12 member 1; plus strand). Cytogenetic location: 15q21.1.
Variant type: single nucleotide variant.
Coding change: c.1511C>T on transcript NM_000338.3 (MANE Select); coding-DNA position 1511, C replaced by T.
Protein change: p.Thr504Ile; replaces threonine 504 with isoleucine.
Molecular consequence: missense variant.
Genome position (GRCh38, 1-based): chr15:48,246,967, C>T. VCF-style: chr15-48246967-C-T. GRCh37 (hg19) VCF-style: chr15-48539164-C-T.
Other names: c.1511C>T, p.Thr504Ile (NM_001184832.2, NM_001384136.1); short protein forms T504I.
Identifiers: ClinVar variation 1806074 (VCV001806074.1), dbSNP rs2505085855, ClinGen allele CA392311892.
Genomic context (GRCh38, chr15:48,246,967, plus strand): 5'-AGGTCATGAGCATGGTATCAGGGTTCGGCCCCCTCATCACTGCGGGAATCTTTTCTGCAA[C>T]ACTCTCCTCCGCCCTGGCCTCCCTTGTCAGCGCACCCAAAGTGTTCCAGGTAATACAAGC-3'
Protein context (NP_000329.2, residues 494-514): PLITAGIFSA[Thr504Ile]LSSALASLVS